The following is an entry in ClinVar:

ClinVar aggregate classification (germline): Likely benign. Review status: criteria provided, single submitter (1 of 4 stars). 2 submissions from 2 submitters: Likely benign (1). 1 of the submissions does not count toward it. Last evaluated 2022-11-24.

Conditions:
SLC30A10-related disorder. Also called: SLC30A10-related condition.

Allele frequency attached by ClinVar (database versions not stated): gnomAD 0.00001.
gnomAD v4.1: 43 of 1,559,740 alleles (0.0028%); highest among the groups gnomAD compares: Non-Finnish European, 0.0036%; no homozygotes.

Submissions (2):

Labcorp Genetics (formerly Invitae), Labcorp
Classification: Likely benign. Last evaluated: 2022-11-24. Review status: criteria provided, single submitter. Criteria: Invitae Variant Classification Sherloc (09022015). Collection method: clinical testing. Allele origin: germline.

PreventionGenetics, part of Exact Sciences
Classification: Likely benign for SLC30A10-related condition. Last evaluated: 2019-06-12. Review status: no assertion criteria provided. Collection method: clinical testing. Allele origin: germline. Not counted in ClinVar's aggregate classification.
Comment: This variant is classified as likely benign based on ACMG/AMP sequence variant interpretation guidelines (Richards et al. 2015 PMID: 25741868, with internal and published modifications).

NM_018713.3(SLC30A10):c.273G>A (p.Ala91=)

Gene: SLC30A10 (solute carrier family 30 member 10; minus strand). Cytogenetic location: 1q41.
Variant type: single nucleotide variant.
Coding change: c.273G>A on transcript NM_018713.3 (MANE Select); coding-DNA position 273, G replaced by A.
Protein change: p.Ala91=; no amino-acid change (alanine 91 retained).
Molecular consequence: synonymous variant. On other transcripts: 5 prime UTR variant (1), intron variant (1).
Genome position (GRCh38, 1-based): chr1:219,928,168, C>T on the plus strand (G>A on the coding strand, the complement: SLC30A10 is on the minus strand). VCF-style: chr1-219928168-C-T. GRCh37 (hg19) VCF-style: chr1-220101510-C-T.
Other names: c.273G>A (NM_018713.2); c.-441G>A (NM_001416005.1); c.452-1063G>A (NM_001376929.1).
Identifiers: ClinVar variation 2903609 (VCV002903609.5), dbSNP rs768453360, ClinGen allele CA423418637.